The following is an entry in ClinVar:

NM_002485.5(NBN):c.1048G>A (p.Glu350Lys)

Gene: NBN (nibrin; minus strand). Cytogenetic location: 8q21.3.
Variant type: single nucleotide variant.
Coding change: c.1048G>A on transcript NM_002485.5 (MANE Select); coding-DNA position 1048, G replaced by A.
Protein change: p.Glu350Lys; replaces glutamic acid 350 with lysine.
Molecular consequence: missense variant.
Genome position (GRCh38, 1-based): chr8:89,958,801, C>T on the plus strand (G>A on the coding strand, the complement: NBN is on the minus strand). VCF-style: chr8-89958801-C-T. GRCh37 (hg19) VCF-style: chr8-90971029-C-T.
Other names: c.802G>A, p.Glu268Lys (NM_001024688.3); short protein forms E268K, E350K.
Identifiers: ClinVar variation 3877898 (VCV003877898.1).

ClinVar aggregate classification (germline): Uncertain significance (1 of 4 stars; one submission).

Conditions:
Hereditary cancer-predisposing syndrome. Also called: Tumor predisposition; Neoplastic Syndromes, Hereditary; Hereditary Cancer Syndrome; Hereditary neoplastic syndrome. Identifiers: Orphanet 140162, MedGen C0027672, MeSH D009386, MONDO:0015356.

Submission:

Ambry Genetics
Classification: Uncertain significance for Hereditary cancer-predisposing syndrome. Last evaluated: 2025-01-27. Review status: criteria provided, single submitter. Criteria: Ambry Variant Classification Scheme 2023. Collection method: clinical testing. Allele origin: germline.
Comment: The p.E350K variant (also known as c.1048G>A), located in coding exon 9 of the NBN gene, results from a G to A substitution at nucleotide position 1048. The glutamic acid at codon 350 is replaced by lysine, an amino acid with similar properties. This amino acid position is conserved. In addition, this alteration is predicted to be tolerated by in silico analysis. Based on the available evidence, the clinical significance of this variant remains unclear.